The following is an entry in ClinVar:

NM_001042492.3(NF1):c.3436G>T (p.Val1146Phe)

Gene: NF1 (neurofibromin 1; plus strand). Cytogenetic location: 17q11.2.
Variant type: single nucleotide variant.
Coding change: c.3436G>T on transcript NM_001042492.3 (MANE Select); coding-DNA position 3436, G replaced by T.
Protein change: p.Val1146Phe; replaces valine 1146 with phenylalanine.
Molecular consequence: missense variant.
Genome position (GRCh38, 1-based): chr17:31,232,821, G>T. VCF-style: chr17-31232821-G-T. GRCh37 (hg19) VCF-style: chr17-29559839-G-T.
Other names: c.3436G>T, p.Val1146Phe (NM_000267.4); short protein forms V1146F.
Identifiers: ClinVar variation 579791 (VCV000579791.6), dbSNP rs201047812, ClinGen allele CA398989268.

ClinVar aggregate classification (germline): Pathogenic/Likely pathogenic. Review status: criteria provided, multiple submitters, no conflicts (2 of 4 stars). 2 submissions from 2 submitters: Pathogenic (1); Likely pathogenic (1). Last evaluated 2023-06-09.

Conditions:
Neurofibromatosis, type 1 (NF1). Also called: Peripheral type neurofibromatosis; Neurofibromatosis, type I; VON RECKLINGHAUSEN DISEASE; NEUROFIBROMATOSIS, TYPE I, SOMATIC. Identifiers: Orphanet 636, MedGen C0027831, MONDO:0018975, OMIM 162200. Disease mechanism: loss of function.

Submissions (2):

GeneDx
Classification: Likely pathogenic. Last evaluated: 2023-06-09. Review status: criteria provided, single submitter. Criteria: GeneDx Variant Classification Process June 2021. Collection method: clinical testing. Allele origin: germline. Affected: yes.
Comment: Not observed at significant frequency in large population cohorts (gnomAD); In silico analysis supports that this missense variant has a deleterious effect on protein structure/function; In silico analysis suggests this variant may impact gene splicing. In the absence of RNA/functional studies, the actual effect of this sequence change is unknown.; This variant is associated with the following publications: (PMID: 30287823, 25486365, 2121369, 22807134, 29684080, 28404951, Nemethova2014)

Labcorp Genetics (formerly Invitae), Labcorp
Classification: Pathogenic for Neurofibromatosis, type 1. Last evaluated: 2022-08-15. Review status: criteria provided, single submitter. Criteria: Invitae Variant Classification Sherloc (09022015). Collection method: clinical testing. Allele origin: germline.
Comment: Advanced modeling of protein sequence and biophysical properties (such as structural, functional, and spatial information, amino acid conservation, physicochemical variation, residue mobility, and thermodynamic stability) performed at Invitae indicates that this missense variant is expected to disrupt NF1 protein function. This sequence change replaces valine, which is neutral and non-polar, with phenylalanine, which is neutral and non-polar, at codon 1146 of the NF1 protein (p.Val1146Phe). This variant is not present in population databases (gnomAD no frequency). This missense change has been observed in individual(s) with clinical features of neurofibromatosis-Noonan syndrome (Invitae). In at least one individual the variant was observed to be de novo. ClinVar contains an entry for this variant (Variation ID: 579791). Algorithms developed to predict the effect of sequence changes on RNA splicing suggest that this variant may create or strengthen a splice site. For these reasons, this variant has been classified as Pathogenic.